The following is an entry in ClinVar:

NM_001378418.1(TCF20):c.953C>T (p.Pro318Leu)

Gene: TCF20 (transcription factor 20; minus strand). Cytogenetic location: 22q13.2.
Variant type: single nucleotide variant.
Coding change: c.953C>T on transcript NM_001378418.1 (MANE Select); coding-DNA position 953, C replaced by T.
Protein change: p.Pro318Leu; replaces proline 318 with leucine.
Molecular consequence: missense variant.
Genome position (GRCh38, 1-based): chr22:42,214,353, G>A on the plus strand (C>T on the coding strand, the complement: TCF20 is on the minus strand). VCF-style: chr22-42214353-G-A. GRCh37 (hg19) VCF-style: chr22-42610359-G-A.
Other names: c.953C>T (NM_005650.1); c.953C>T, p.Pro318Leu (NM_005650.4, NM_181492.3); short protein forms P318L.
Identifiers: ClinVar variation 3021999 (VCV003021999.4), dbSNP rs758821659, ClinGen allele CA10267263.

ClinVar aggregate classification (germline): Conflicting classifications of pathogenicity. Review status: criteria provided, conflicting classifications (1 of 4 stars). 2 submissions from 2 submitters: Uncertain significance (1); Likely benign (1). Last evaluated 2026-06-08.

Conditions:
Inborn genetic diseases. Identifiers: MedGen C0950123, MeSH D030342.

Allele frequency attached by ClinVar (database versions not stated): TOPMed 0.00002; ExAC 0.00001; gnomAD 0.00001.
gnomAD v4.1: 12 of 1,614,048 alleles (0.00074%); highest among the groups gnomAD compares: Admixed American, 0.0083%; no homozygotes.

Submissions (2):

Ambry Genetics
Classification: Likely benign for Inborn genetic diseases. Last evaluated: 2026-06-08. Review status: criteria provided, single submitter. Criteria: Ambry Variant Classification Scheme 2023. Collection method: clinical testing. Allele origin: germline.

Labcorp Genetics (formerly Invitae), Labcorp
Classification: Uncertain significance. Last evaluated: 2024-12-02. Review status: criteria provided, single submitter. Criteria: Invitae Variant Classification Sherloc (09022015). Collection method: clinical testing. Allele origin: germline.
Comment: This sequence change replaces proline, which is neutral and non-polar, with leucine, which is neutral and non-polar, at codon 318 of the TCF20 protein (p.Pro318Leu). This variant is present in population databases (rs758821659, gnomAD 0.009%). This variant has not been reported in the literature in individuals affected with TCF20-related conditions. ClinVar contains an entry for this variant (Variation ID: 3021999). An algorithm developed to predict the effect of missense changes on protein structure and function (PolyPhen-2) suggests that this variant is likely to be tolerated. In summary, the available evidence is currently insufficient to determine the role of this variant in disease. Therefore, it has been classified as a Variant of Uncertain Significance.